The following is an entry in ClinVar:

NM_000038.6(APC):c.8255A>T (p.Asn2752Ile)

Gene: APC (APC regulator of Wnt signaling pathway; plus strand). Cytogenetic location: 5q22.2.
Variant type: single nucleotide variant.
Coding change: c.8255A>T on transcript NM_000038.6 (MANE Select); coding-DNA position 8255, A replaced by T.
Protein change: p.Asn2752Ile; replaces asparagine 2752 with isoleucine.
Molecular consequence: missense variant. On other transcripts: non-coding transcript variant (2).
Genome position (GRCh38, 1-based): chr5:112,843,849, A>T. VCF-style: chr5-112843849-A-T. GRCh37 (hg19) VCF-style: chr5-112179546-A-T.
Other names: c.8255A>T, p.Asn2752Ile (NM_001407450.1, NM_001127510.3, NM_001354895.2); c.8234A>T, p.Asn2745Ile (NM_001407451.1); c.8225A>T, p.Asn2742Ile (NM_001407452.1); c.8078A>T, p.Asn2693Ile (NM_001407453.1, NM_001354901.2); c.8006A>T, p.Asn2669Ile (NM_001407454.1, NM_001407455.1, NM_001407456.1 and 1 more transcripts); c.7952A>T, p.Asn2651Ile (NM_001407458.1, NM_001407459.1, NM_001407460.1 and 1 more transcripts); c.7868A>T, p.Asn2623Ile (NM_001407467.1, NM_001407469.1); c.7406A>T, p.Asn2469Ile (NM_001407470.1, NM_001354906.2); and 11 more; short protein forms N2469I, N2623I, N2711I, N2669I, N2742I, N2745I, N2752I, N2780I.
Identifiers: ClinVar variation 3881615 (VCV003881615.2).

ClinVar aggregate classification (germline): Uncertain significance. Review status: criteria provided, multiple submitters, no conflicts (2 of 4 stars). 2 submissions from 2 submitters: Uncertain significance (2). Last evaluated 2025-10-01.

Conditions:
Hereditary cancer-predisposing syndrome. Also called: Tumor predisposition; Neoplastic Syndromes, Hereditary; Hereditary Cancer Syndrome; Hereditary neoplastic syndrome. Identifiers: Orphanet 140162, MedGen C0027672, MeSH D009386, MONDO:0015356.
Familial adenomatous polyposis 1 (FAP1). Also called: POLYPOSIS, ADENOMATOUS INTESTINAL; FAMILIAL ADENOMATOUS POLYPOSIS 1, ATTENUATED. Identifiers: MedGen C2713442, MONDO:0021056, OMIM 175100. Disease mechanism: loss of function.

Submissions (2):

Labcorp Genetics (formerly Invitae), Labcorp
Classification: Uncertain significance for Familial adenomatous polyposis 1. Last evaluated: 2025-10-01. Review status: criteria provided, single submitter. Criteria: Invitae Variant Classification Sherloc (09022015). Collection method: clinical testing. Allele origin: germline.
Comment: This sequence change replaces asparagine, which is neutral and polar, with isoleucine, which is neutral and non-polar, at codon 2752 of the APC protein (p.Asn2752Ile). This variant is not present in population databases (gnomAD no frequency). This variant has not been reported in the literature in individuals affected with APC-related conditions. ClinVar contains an entry for this variant (Variation ID: 3881615). Invitae Evidence Modeling of protein sequence and biophysical properties (such as structural, functional, and spatial information, amino acid conservation, physicochemical variation, residue mobility, and thermodynamic stability) indicates that this missense variant is not expected to disrupt APC protein function with a negative predictive value of 95%. In summary, the available evidence is currently insufficient to determine the role of this variant in disease. Therefore, it has been classified as a Variant of Uncertain Significance.

Ambry Genetics
Classification: Uncertain significance for Hereditary cancer-predisposing syndrome. Last evaluated: 2025-01-09. Review status: criteria provided, single submitter. Criteria: Ambry Variant Classification Scheme 2023. Collection method: clinical testing. Allele origin: germline.
Comment: The p.N2752I variant (also known as c.8255A>T), located in coding exon 15 of the APC gene, results from an A to T substitution at nucleotide position 8255. The asparagine at codon 2752 is replaced by isoleucine, an amino acid with dissimilar properties. This amino acid position is conserved. In addition, in silico predictors for this gene do not accurately predict pathogenicity. Based on the available evidence, the clinical significance of this variant remains unclear.